The following is an entry in ClinVar:

ClinVar aggregate classification (germline): Uncertain significance. Review status: criteria provided, multiple submitters, no conflicts (2 of 4 stars). 2 submissions from 2 submitters: Uncertain significance (2). Last evaluated 2022-03-14.

Conditions:
Inborn genetic diseases. Identifiers: MedGen C0950123, MeSH D030342.
Hereditary spastic paraplegia 3A (SPG3A). Also called: Spastic paraplegia 3A, autosomal dominant; SPASTIC PARAPLEGIA 3, AUTOSOMAL DOMINANT; FAMILIAL SPASTIC PARAPLEGIA, AUTOSOMAL DOMINANT, 1; SPG3; STRUMPELL DISEASE; Spastic Paraplegia 3A. Identifiers: Orphanet 100984, MedGen C2931355, MONDO:0008437, OMIM 182600.

Allele frequency attached by ClinVar (database versions not stated): gnomAD exomes below 0.00001; gnomAD 0.00001.
gnomAD v4.1: 2 of 1,613,844 alleles (0.00012%); highest among the groups gnomAD compares: East Asian, 0.0022%; no homozygotes.

Submissions (2):

Labcorp Genetics (formerly Invitae), Labcorp
Classification: Uncertain significance for Hereditary spastic paraplegia 3A. Last evaluated: 2022-03-14. Review status: criteria provided, single submitter. Criteria: Invitae Variant Classification Sherloc (09022015). Collection method: clinical testing. Allele origin: germline.
Comment: In summary, the available evidence is currently insufficient to determine the role of this variant in disease. Therefore, it has been classified as a Variant of Uncertain Significance. Advanced modeling of protein sequence and biophysical properties (such as structural, functional, and spatial information, amino acid conservation, physicochemical variation, residue mobility, and thermodynamic stability) performed at Invitae indicates that this missense variant is not expected to disrupt ATL1 protein function. This variant has not been reported in the literature in individuals affected with ATL1-related conditions. This variant is present in population databases (no rsID available, gnomAD 0.06%). This sequence change replaces tyrosine, which is neutral and polar, with cysteine, which is neutral and slightly polar, at codon 103 of the ATL1 protein (p.Tyr103Cys).

Ambry Genetics
Classification: Uncertain significance for Inborn genetic diseases. Last evaluated: 2020-01-29. Review status: criteria provided, single submitter. Criteria: Ambry Variant Classification Scheme 2023. Collection method: clinical testing. Allele origin: germline.
Comment: The p.Y103C variant (also known as c.308A>G), located in coding exon 3 of the ATL1 gene, results from an A to G substitution at nucleotide position 308. The tyrosine at codon 103 is replaced by cysteine, an amino acid with highly dissimilar properties. This amino acid position is not well conserved in available vertebrate species. In addition, this alteration is predicted to be tolerated by in silico analysis. Since supporting evidence is limited at this time, the clinical significance of this alteration remains unclear.

NM_015915.5(ATL1):c.308A>G (p.Tyr103Cys)

Gene: ATL1 (atlastin GTPase 1; plus strand). Cytogenetic location: 14q22.1.
Variant type: single nucleotide variant.
Coding change: c.308A>G on transcript NM_015915.5 (MANE Select); coding-DNA position 308, A replaced by G.
Protein change: p.Tyr103Cys; replaces tyrosine 103 with cysteine.
Molecular consequence: missense variant.
Genome position (GRCh38, 1-based): chr14:50,590,966, A>G. VCF-style: chr14-50590966-A-G. GRCh37 (hg19) VCF-style: chr14-51057684-A-G.
Other names: c.308A>G, p.Tyr103Cys (NM_001127713.1, NM_181598.4); short protein forms Y103C.
Identifiers: ClinVar variation 1727427 (VCV001727427.7), dbSNP rs1423255533, ClinGen allele CA389666440.